The following is an entry in ClinVar:

ClinVar aggregate classification (germline): Uncertain significance (1 of 4 stars; one submission).

Conditions:
Familial thoracic aortic aneurysm and aortic dissection (TAAD). Also called: Thoracic aortic aneurysms and dissections. Identifiers: Orphanet 91387, MedGen C4707243, MONDO:0019625.

Submission:

Labcorp Genetics (formerly Invitae), Labcorp
Classification: Uncertain significance for Familial thoracic aortic aneurysm and aortic dissection. Last evaluated: 2024-04-09. Review status: criteria provided, single submitter. Criteria: Invitae Variant Classification Sherloc (09022015). Collection method: clinical testing. Allele origin: germline.
Comment: This sequence change replaces valine, which is neutral and non-polar, with isoleucine, which is neutral and non-polar, at codon 120 of the SMAD3 protein (p.Val120Ile). This variant is not present in population databases (gnomAD no frequency). This variant has not been reported in the literature in individuals affected with SMAD3-related conditions. Advanced modeling of protein sequence and biophysical properties (such as structural, functional, and spatial information, amino acid conservation, physicochemical variation, residue mobility, and thermodynamic stability) performed at Invitae indicates that this missense variant is not expected to disrupt SMAD3 protein function with a negative predictive value of 80%. In summary, the available evidence is currently insufficient to determine the role of this variant in disease. Therefore, it has been classified as a Variant of Uncertain Significance.

NM_005902.4(SMAD3):c.358G>A (p.Val120Ile)

Gene: SMAD3 (SMAD family member 3; plus strand). Cytogenetic location: 15q22.33.
Variant type: single nucleotide variant.
Coding change: c.358G>A on transcript NM_005902.4 (MANE Select); coding-DNA position 358, G replaced by A.
Protein change: p.Val120Ile; replaces valine 120 with isoleucine.
Molecular consequence: missense variant.
Genome position (GRCh38, 1-based): chr15:67,165,046, G>A. VCF-style: chr15-67165046-G-A. GRCh37 (hg19) VCF-style: chr15-67457384-G-A.
Other names: c.43G>A, p.Val15Ile (NM_001145102.2, NM_001407015.1, NM_001407016.1); c.226G>A, p.Val76Ile (NM_001145103.2); c.358G>A, p.Val120Ile (NM_001407011.1, NM_001407012.1, NM_001407013.1); c.211G>A, p.Val71Ile (NM_001407014.1); short protein forms V15I, V76I, V120I, V71I.
Identifiers: ClinVar variation 3649322 (VCV003649322.2).